The following is an entry in ClinVar:

ClinVar aggregate classification (germline): Uncertain significance. Review status: criteria provided, multiple submitters, no conflicts (2 of 4 stars). 2 submissions from 2 submitters: Uncertain significance (2). Last evaluated 2022-07-14.

Conditions:
Leber congenital amaurosis 4 (LCA4). Identifiers: MedGen C1858386, MONDO:0011458, OMIM 604393.

gnomAD v4.1: 1 of 1,613,448 alleles (0.000062%); highest among the groups gnomAD compares: East Asian, 0.0022%; no homozygotes.

Submissions (2):

Labcorp Genetics (formerly Invitae), Labcorp
Classification: Uncertain significance for Leber congenital amaurosis 4. Last evaluated: 2022-07-14. Review status: criteria provided, single submitter. Criteria: Invitae Variant Classification Sherloc (09022015). Collection method: clinical testing. Allele origin: germline.
Comment: This sequence change replaces valine, which is neutral and non-polar, with phenylalanine, which is neutral and non-polar, at codon 96 of the AIPL1 protein (p.Val96Phe). This variant is present in population databases (no rsID available, gnomAD 0.06%). This variant has not been reported in the literature in individuals affected with AIPL1-related conditions. ClinVar contains an entry for this variant (Variation ID: 1018956). Algorithms developed to predict the effect of missense changes on protein structure and function are either unavailable or do not agree on the potential impact of this missense change (SIFT: "Tolerated"; PolyPhen-2: "Possibly Damaging"; Align-GVGD: "Class C0"). In summary, the available evidence is currently insufficient to determine the role of this variant in disease. Therefore, it has been classified as a Variant of Uncertain Significance.

Blueprint Genetics
Classification: Uncertain significance. Last evaluated: 2022-04-19. Review status: criteria provided, single submitter. Criteria: ACMG Guidelines, 2015. Collection method: clinical testing. Allele origin: germline.

NM_014336.5(AIPL1):c.286G>T (p.Val96Phe)

Gene: AIPL1 (AIP like 1 HSP90 co-chaperone; minus strand). Cytogenetic location: 17p13.2.
Variant type: single nucleotide variant.
Coding change: c.286G>T on transcript NM_014336.5 (MANE Select); coding-DNA position 286, G replaced by T.
Protein change: p.Val96Phe; replaces valine 96 with phenylalanine.
Molecular consequence: missense variant. On other transcripts: intron variant (1).
Genome position (GRCh38, 1-based): chr17:6,428,497, C>A on the plus strand (G>T on the coding strand, the complement: AIPL1 is on the minus strand). VCF-style: chr17-6428497-C-A. GRCh37 (hg19) VCF-style: chr17-6331817-C-A.
Other names: c.106G>T, p.Val36Phe (NM_001033055.3); c.250G>T, p.Val84Phe (NM_001285399.3); c.220G>T, p.Val74Phe (NM_001285400.3); c.286G>T, p.Val96Phe (NM_001285401.3, NM_001285403.4); c.169G>T, p.Val57Phe (NM_001285402.2); c.277-1440G>T (NM_001033054.3); short protein forms V36F, V57F, V74F, V84F, V96F.
Identifiers: ClinVar variation 1018956 (VCV001018956.9), dbSNP rs62619924, ClinGen allele CA397396698.
Genomic context (GRCh38, chr17:6,428,497, plus strand): 5'-ACTCTGTGGGGTCCTTGCCCTGGGCCATCTGCCTCAGGCTCCGGGATAGGATGGGGTAGA[C>A]CCCCGTGTGCTGTGGGGATAAACGGATGGATGGCATCCAGGCTACCTGCCCAGAGCTAGG-3'
Protein context (NP_055151.3, residues 86-106): EFWCDTIHTG[Val96Phe]YPILSRSLRQ